The following is an entry in ClinVar:

NM_014141.6(CNTNAP2):c.2849A>G (p.Glu950Gly)

Genes: CNTNAP2 (contactin associated protein 2; plus strand), LOC126860216 (BRD4-independent group 4 enhancer GRCh37_chr7:147868766-147869965; plus strand). Cytogenetic location: 7q35.
Variant type: single nucleotide variant.
Coding change: c.2849A>G on transcript NM_014141.6 (MANE Select); coding-DNA position 2849, A replaced by G.
Protein change: p.Glu950Gly; replaces glutamic acid 950 with glycine.
Molecular consequence: missense variant.
Genome position (GRCh38, 1-based): chr7:148,172,317, A>G. VCF-style: chr7-148172317-A-G. GRCh37 (hg19) VCF-style: chr7-147869409-A-G.
Other names: short protein forms E950G.
Identifiers: ClinVar variation 1713396 (VCV001713396.6), dbSNP rs2536593048, ClinGen allele CA369928458.

ClinVar aggregate classification (germline): Uncertain significance (1 of 4 stars; one submission).

Conditions:
Cortical dysplasia-focal epilepsy syndrome (PTHSL1). Also called: Pitt-Hopkins-like syndrome 1. Identifiers: Orphanet 163681, Orphanet 221150, MedGen C2750246, MONDO:0012400, OMIM 610042.

Allele frequency attached by ClinVar (database versions not stated): gnomAD exomes below 0.00001.
gnomAD v4.1: 3 of 1,614,170 alleles (0.00019%); highest among the groups gnomAD compares: Non-Finnish European, 0.00025%; no homozygotes.

Submission:

Labcorp Genetics (formerly Invitae), Labcorp
Classification: Uncertain significance for Cortical dysplasia-focal epilepsy syndrome. Last evaluated: 2022-11-01. Review status: criteria provided, single submitter. Criteria: Invitae Variant Classification Sherloc (09022015). Collection method: clinical testing. Allele origin: germline.
Comment: This sequence change replaces glutamic acid, which is acidic and polar, with glycine, which is neutral and non-polar, at codon 950 of the CNTNAP2 protein (p.Glu950Gly). In summary, the available evidence is currently insufficient to determine the role of this variant in disease. Therefore, it has been classified as a Variant of Uncertain Significance. Algorithms developed to predict the effect of missense changes on protein structure and function are either unavailable or do not agree on the potential impact of this missense change (SIFT: "Deleterious"; PolyPhen-2: "Possibly Damaging"; Align-GVGD: "Class C15"). This variant has not been reported in the literature in individuals affected with CNTNAP2-related conditions. This variant is not present in population databases (gnomAD no frequency).